The following is an entry in ClinVar:

ClinVar aggregate classification (germline): Conflicting classifications of pathogenicity. Review status: criteria provided, conflicting classifications (1 of 4 stars). 2 submissions from 2 submitters: Likely pathogenic (1); Uncertain significance (1). Last evaluated 2025-02-08.

Conditions:
C8orf37-related disorder. Also called: C8ORF37-related disorders.
CFAP418-related disorder. Also called: CFAP418-related condition.

Submissions (2):

PreventionGenetics, part of Exact Sciences
Classification: Uncertain significance for CFAP418-related condition. Last evaluated: 2025-02-08. Review status: criteria provided, single submitter. Criteria: ACMG Guidelines, 2015. Collection method: clinical testing. Allele origin: germline.
Comment: The CFAP418 c.471-1G>T variant is predicted to disrupt the AG splice acceptor site and interfere with normal splicing. To our knowledge, this variant has not been reported in the literature or in a large population database (gnomAD), indicating this variant is rare. Although we suspect that this variant may be pathogenic, at this time, the clinical significance of this variant is uncertain due to the absence of conclusive functional and genetic evidence.

Blueprint Genetics
Classification: Likely pathogenic for C8ORF37-related disorders. Last evaluated: 2019-11-18. Review status: criteria provided, single submitter. Criteria: ACMG Guidelines, 2015. Collection method: clinical testing. Allele origin: germline. Affected: yes. Observed: 1 variant allele.

NM_177965.4(CFAP418):c.471-1G>T

Gene: CFAP418 (cilia and flagella associated protein 418; minus strand). Cytogenetic location: 8q22.1.
Variant type: single nucleotide variant.
Coding change: c.471-1G>T on transcript NM_177965.4 (MANE Select); the canonical splice acceptor site of the intron before coding-DNA position 471, G replaced by T.
Molecular consequence: splice acceptor variant.
Genome position (GRCh38, 1-based): chr8:95,247,771, C>A on the plus strand (G>T on the coding strand, the complement: CFAP418 is on the minus strand). VCF-style: chr8-95247771-C-A. GRCh37 (hg19) VCF-style: chr8-96259999-C-A.
Other names: c.375-1G>T (NM_001363260.1); c.471-1G>T (NM_177965.3).
Identifiers: ClinVar variation 4901108 (VCV004901108.2).